The following is an entry in ClinVar:

NM_002890.3(RASA1):c.1565_1566dup (p.Cys525fs)

Genes: CCNH (cyclin H; minus strand), RASA1 (RAS p21 protein activator 1; plus strand). Cytogenetic location: 5q14.3.
Variant type: Microsatellite.
Coding change: c.1565_1566dup on transcript NM_002890.3 (MANE Select); coding-DNA positions 1565 to 1566, 2 bases duplicated (TC; older notation c.1565_1566dupTC).
Protein change: p.Cys525fs; shifts the reading frame from cysteine 525.
Molecular consequence: frameshift variant. On other transcripts: intron variant (1).
Genome position (GRCh38, 1-based): chr5:87,363,459-87,363,460, TC duplicated; duplicating any 2 consecutive bases within chr5:87,363,457-87,363,460 gives the same sequence; the c. name uses the placement nearest the transcript's 3' end. VCF-style (leftmost placement, unchanged base first): chr5-87363456-A-ATC. GRCh37 (hg19) VCF-style: chr5-86659273-A-ATC.
Other names: c.1034_1035dup, p.Cys348fs (NM_022650.3); c.933+31584GA[3] (NM_001364075.2); short protein forms C525fs, C348fs.
Identifiers: ClinVar variation 4699659 (VCV004699659.1).

ClinVar aggregate classification (germline): Pathogenic (1 of 4 stars; one submission).

Conditions:
Capillary malformation-arteriovenous malformation syndrome. Also called: Capillary malformation-arteriovenous malformation. Identifiers: Orphanet 137667, MedGen C1842180, MONDO:0012016.

Submission:

Labcorp Genetics (formerly Invitae), Labcorp
Classification: Pathogenic for Capillary malformation-arteriovenous malformation syndrome. Last evaluated: 2025-10-19. Review status: criteria provided, single submitter. Criteria: Invitae Variant Classification Sherloc (09022015). Collection method: clinical testing. Allele origin: germline.
Comment: This sequence change creates a premature translational stop signal (p.Cys525Tyrfs*20) in the RASA1 gene. It is expected to result in an absent or disrupted protein product. Loss-of-function variants in RASA1 are known to be pathogenic (PMID: 24038909). This variant is not present in population databases (gnomAD no frequency). This variant has not been reported in the literature in individuals affected with RASA1-related conditions. For these reasons, this variant has been classified as Pathogenic.

Literature cited by the submitters: PubMed 24038909.